The following is an entry in ClinVar:

ClinVar aggregate classification (germline): Uncertain significance (1 of 4 stars; one submission).

Submission:

GeneDx
Classification: Uncertain significance. Last evaluated: 2025-05-30. Review status: criteria provided, single submitter. Criteria: GeneDx Variant Classification Process June 2021. Collection method: clinical testing. Allele origin: germline. Affected: yes.
Comment: Not observed at significant frequency in large population cohorts (gnomAD); In silico analysis supports that this missense variant has a deleterious effect on protein structure/function; Has not been previously published as pathogenic or benign to our knowledge

NM_001378414.1(HDAC4):c.2093G>T (p.Gly698Val)

Gene: HDAC4 (histone deacetylase 4; minus strand). Cytogenetic location: 2q37.3.
Variant type: single nucleotide variant.
Coding change: c.2093G>T on transcript NM_001378414.1 (MANE Select); coding-DNA position 2093, G replaced by T.
Protein change: p.Gly698Val; replaces glycine 698 with valine.
Molecular consequence: missense variant.
Genome position (GRCh38, 1-based): chr2:239,108,069, C>A on the plus strand (G>T on the coding strand, the complement: HDAC4 is on the minus strand). VCF-style: chr2-239108069-C-A. GRCh37 (hg19) VCF-style: chr2-240029765-C-A.
Other names: c.2093G>T, p.Gly698Val (NM_001378415.1); c.2078G>T, p.Gly693Val (NM_001378416.1, NM_001378417.1, NM_001435996.1 and 1 more transcripts); c.2012G>T, p.Gly671Val (NM_001435991.1, NM_001435992.1, NM_001435994.1); c.1934G>T, p.Gly645Val (NM_001435993.1); c.1997G>T, p.Gly666Val (NM_001435998.1); short protein forms G645V, G666V, G671V, G693V, G698V.
Identifiers: ClinVar variation 4532417 (VCV004532417.1).